The following is an entry in ClinVar:

ClinVar aggregate classification (germline): Likely pathogenic (1 of 4 stars; one submission).

Conditions:
Autosomal recessive limb-girdle muscular dystrophy type 2J (LGMDR10). Also called: Limb-girdle muscular dystrophy, type 2J; MUSCULAR DYSTROPHY, LIMB-GIRDLE, AUTOSOMAL RECESSIVE 10. Identifiers: Orphanet 140922, MedGen C1837342, MONDO:0012127, OMIM 608807.
Dilated cardiomyopathy 1G (CMD1G). Identifiers: Orphanet 154, MedGen C1858763, MONDO:0011400, OMIM 604145.

Submission:

Labcorp Genetics (formerly Invitae), Labcorp
Classification: Likely pathogenic for Dilated cardiomyopathy 1G; Autosomal recessive limb-girdle muscular dystrophy type 2J. Last evaluated: 2025-11-27. Review status: criteria provided, single submitter. Criteria: Invitae Variant Classification Sherloc (09022015). Collection method: clinical testing. Allele origin: germline.
Comment: This sequence change creates a premature translational stop signal (p.Glu26597*) in the TTN gene. While this is not anticipated to result in nonsense mediated decay, it is expected to create a truncated TTN protein. This variant is not present in population databases (gnomAD no frequency). This variant has not been reported in the literature in individuals affected with TTN-related conditions. This variant is located in the A band of TTN (PMID: 25589632). Truncating variants in this region are significantly overrepresented in patients affected with dilated cardiomyopathy (PMID: 25589632). Truncating variants in this region have also been reported in individuals affected with autosomal recessive centronuclear myopathy (PMID: 23975875). In summary, the currently available evidence indicates that the variant is pathogenic, but additional data are needed to prove that conclusively. Therefore, this variant has been classified as Likely Pathogenic.

Literature cited by the submitters: PubMed 25589632; PubMed 23975875.

NM_001267550.2(TTN):c.79789G>T (p.Glu26597Ter)

Genes: TTN-AS1 (TTN antisense RNA 1; plus strand), TTN (titin; minus strand). Cytogenetic location: 2q31.2.
Variant type: single nucleotide variant.
Coding change: c.79789G>T on transcript NM_001267550.2 (MANE Select); coding-DNA position 79789, G replaced by T.
Protein change: p.Glu26597Ter; replaces glutamic acid 26597 with a stop codon.
Molecular consequence: nonsense.
Genome position (GRCh38, 1-based): chr2:178,566,343, C>A on the plus strand (G>T on the coding strand, the complement: TTN is on the minus strand). VCF-style: chr2-178566343-C-A. GRCh37 (hg19) VCF-style: chr2-179431070-C-A.
Other names: c.74866G>T, p.Glu24956Ter (NM_001256850.1); c.52594G>T, p.Glu17532Ter (NM_003319.4); c.72085G>T, p.Glu24029Ter (NM_133378.4); c.52969G>T, p.Glu17657Ter (NM_133432.3); c.53170G>T, p.Glu17724Ter (NM_133437.4); short protein forms E24029*, E17724*, E17657*, E24956*, E17532*, E26597*.
Identifiers: ClinVar variation 4784960 (VCV004784960.1).